The following is an entry in ClinVar:

ClinVar aggregate classification (germline): Pathogenic. Review status: criteria provided, multiple submitters, no conflicts (2 of 4 stars). 2 submissions from 2 submitters: Pathogenic (2). Last evaluated 2024-03-06.

Conditions:
Familial adenomatous polyposis 1 (FAP1). Also called: FAMILIAL ADENOMATOUS POLYPOSIS 1, ATTENUATED; POLYPOSIS, ADENOMATOUS INTESTINAL. Identifiers: MedGen C2713442, MONDO:0021056, OMIM 175100. Disease mechanism: loss of function.
Hereditary cancer-predisposing syndrome. Also called: Hereditary neoplastic syndrome; Tumor predisposition; Hereditary Cancer Syndrome; Neoplastic Syndromes, Hereditary. Identifiers: Orphanet 140162, MedGen C0027672, MeSH D009386, MONDO:0015356.

Submissions (2):

Ambry Genetics
Classification: Pathogenic for Hereditary cancer-predisposing syndrome. Last evaluated: 2024-03-06. Review status: criteria provided, single submitter. Criteria: Ambry Variant Classification Scheme 2023. Collection method: clinical testing. Allele origin: germline.
Comment: The p.L684* pathogenic mutation (also known as c.2051T>A), located in coding exon 15 of the APC gene, results from a T to A substitution at nucleotide position 2051. This changes the amino acid from a leucine to a stop codon within coding exon 15. This alteration occurs at the 3' terminus of theAPC gene, is not expected to trigger nonsense-mediated mRNA decay, and only impacts the last 75.98% of the protein. However, premature stop codons are typically deleterious in nature and the impacted region is critical for protein function (Ambry internal data). This variant has been observed in at least one individual with a personal and/or family history that is consistent with APC-associated polyposis conditions (Resta N et al. Hum Mutat, 2001 May;17:434-5; Ambry internal data). This variant is considered to be rare based on population cohorts in the Genome Aggregation Database (gnomAD). Based on the supporting evidence, this alteration is interpreted as a disease-causing mutation.

Myriad Genetics, Inc.
Classification: Pathogenic for Familial adenomatous polyposis 1. Last evaluated: 2023-05-03. Review status: criteria provided, single submitter. Criteria: Myriad Autosomal Dominant, Autosomal Recessive and X-Linked Classification Criteria (2023). Collection method: clinical testing. Allele origin: unknown.
Comment: This variant is considered pathogenic. This variant creates a termination codon and is predicted to result in premature protein truncation.

Literature cited by the submitters: PubMed 11317365 (cited by Ambry Genetics).

NM_000038.6(APC):c.2051T>A (p.Leu684Ter)

Gene: APC (APC regulator of Wnt signaling pathway; plus strand). Cytogenetic location: 5q22.2.
Variant type: single nucleotide variant.
Coding change: c.2051T>A on transcript NM_000038.6 (MANE Select); coding-DNA position 2051, T replaced by A.
Protein change: p.Leu684Ter; replaces leucine 684 with a stop codon.
Molecular consequence: nonsense. On other transcripts: non-coding transcript variant (2).
Genome position (GRCh38, 1-based): chr5:112,837,645, T>A. VCF-style: chr5-112837645-T-A. GRCh37 (hg19) VCF-style: chr5-112173342-T-A.
Other names: c.1748T>A, p.Leu583Ter (NM_001407458.1, NM_001407459.1, NM_001407460.1 and 1 more transcripts); c.2051T>A (NM_000038.5); c.1664T>A, p.Leu555Ter (NM_001407469.1, NM_001407467.1); c.1202T>A, p.Leu401Ter (NM_001407470.1, NM_001354906.2); c.2051T>A, p.Leu684Ter (NM_001127510.3, NM_001354895.2, NM_001407450.1); c.1997T>A, p.Leu666Ter (NM_001127511.3); c.2105T>A, p.Leu702Ter (NM_001354896.2, NM_001407447.1, NM_001407448.1 and 1 more transcripts); c.2081T>A, p.Leu694Ter (NM_001354897.2); and 12 more; short protein forms L300*, L401*, L524*, L555*, L558*, L583*, L593*, L601*.
Identifiers: ClinVar variation 2584297 (VCV002584297.3), dbSNP rs2149859509, ClinGen allele CA16025803.